The following is an entry in ClinVar:

NM_014795.4(ZEB2):c.2181dup (p.Leu728fs)

Gene: ZEB2 (zinc finger E-box binding homeobox 2; minus strand). Cytogenetic location: 2q22.3.
Variant type: Duplication.
Coding change: c.2181dup on transcript NM_014795.4 (MANE Select); coding-DNA position 2181, one base duplicated (A; older notation c.2181dupA).
Protein change: p.Leu728fs; shifts the reading frame from leucine 728.
Molecular consequence: frameshift variant.
Genome position (GRCh38, 1-based): chr2:144,399,006, T duplicated on the plus strand (A on the coding strand, the reverse complement: ZEB2 is on the minus strand). VCF-style (leftmost placement, unchanged base first): chr2-144399005-A-AT. GRCh37 (hg19) VCF-style: chr2-145156572-A-AT.
Other names: c.2109dup, p.Leu704fs (NM_001171653.2); short protein forms L704fs, L728fs.
Identifiers: ClinVar variation 4734223 (VCV004734223.1).

ClinVar aggregate classification (germline): Pathogenic (1 of 4 stars; one submission).

Conditions:
Mowat-Wilson syndrome (MOWS). Also called: Classic Mowat-Wilson Syndrome. Identifiers: Orphanet 2152, MedGen C1856113, MONDO:0009341, OMIM 235730.

Submission:

Labcorp Genetics (formerly Invitae), Labcorp
Classification: Pathogenic for Mowat-Wilson syndrome. Last evaluated: 2025-12-26. Review status: criteria provided, single submitter. Criteria: Invitae Variant Classification Sherloc (09022015). Collection method: clinical testing. Allele origin: germline.
Comment: This sequence change creates a premature translational stop signal (p.Leu728Ilefs*28) in the ZEB2 gene. It is expected to result in an absent or disrupted protein product. Loss-of-function variants in ZEB2 are known to be pathogenic (PMID: 16053902). This variant is not present in population databases (gnomAD no frequency). This variant has not been reported in the literature in individuals affected with ZEB2-related conditions. For these reasons, this variant has been classified as Pathogenic.

Literature cited by the submitters: PubMed 16053902.